The following is an entry in ClinVar:

ClinVar aggregate classification (germline): Uncertain significance. Review status: criteria provided, multiple submitters, no conflicts (2 of 4 stars). 2 submissions from 2 submitters: Uncertain significance (2). Last evaluated 2025-10-03.

Conditions:
Inborn genetic diseases. Identifiers: MedGen C0950123, MeSH D030342.

Allele frequency attached by ClinVar (database versions not stated): TOPMed 0.00005.
gnomAD v4.1: 36 of 1,551,574 alleles (0.0023%); highest among the groups gnomAD compares: Admixed American, 0.027%; no homozygotes.

Submissions (2):

Labcorp Genetics (formerly Invitae), Labcorp
Classification: Uncertain significance. Last evaluated: 2025-10-03. Review status: criteria provided, single submitter. Criteria: Invitae Variant Classification Sherloc (09022015). Collection method: clinical testing. Allele origin: germline.
Comment: This sequence change replaces aspartic acid, which is acidic and polar, with glutamic acid, which is acidic and polar, at codon 597 of the LOXHD1 protein (p.Asp597Glu). This variant is present in population databases (no rsID available, gnomAD 0.03%). This variant has not been reported in the literature in individuals affected with LOXHD1-related conditions. ClinVar contains an entry for this variant (Variation ID: 2386408). An algorithm developed to predict the effect of missense changes on protein structure and function outputs the following: PolyPhen-2: "Benign". The glutamic acid amino acid residue is found in multiple mammalian species, which suggests that this missense change does not adversely affect protein function. In summary, the available evidence is currently insufficient to determine the role of this variant in disease. Therefore, it has been classified as a Variant of Uncertain Significance.

Ambry Genetics
Classification: Uncertain significance for Inborn genetic diseases. Last evaluated: 2022-07-11. Review status: criteria provided, single submitter. Criteria: Ambry Variant Classification Scheme 2023. Collection method: clinical testing. Allele origin: germline.

NM_001384474.1(LOXHD1):c.1791C>G (p.Asp597Glu)

Gene: LOXHD1 (lipoxygenase homology PLAT domains 1; minus strand). Cytogenetic location: 18q21.1.
Variant type: single nucleotide variant.
Coding change: c.1791C>G on transcript NM_001384474.1 (MANE Select); coding-DNA position 1791, C replaced by G.
Protein change: p.Asp597Glu; replaces aspartic acid 597 with glutamic acid.
Molecular consequence: missense variant.
Genome position (GRCh38, 1-based): chr18:46,579,648, G>C on the plus strand (C>G on the coding strand, the complement: LOXHD1 is on the minus strand). VCF-style: chr18-46579648-G-C. GRCh37 (hg19) VCF-style: chr18-44159611-G-C.
Other names: c.1791C>G, p.Asp597Glu (NM_144612.7); short protein forms D597E.
Identifiers: ClinVar variation 2386408 (VCV002386408.3), dbSNP rs1006329495, ClinGen allele CA299800823.